The following is an entry in ClinVar:

ClinVar aggregate classification (germline): Likely benign. Review status: criteria provided, multiple submitters, no conflicts (2 of 4 stars). 3 submissions from 3 submitters: Likely benign (3). Last evaluated 2025-07-02.

Conditions:
Tuberous sclerosis syndrome (TSC). Also called: Tuberous Sclerosis Complex; Tuberous sclerosis. Identifiers: Orphanet 805, MedGen C0041341, MONDO:0001734.
Tuberous sclerosis 2 (TSC2). Identifiers: Orphanet 805, MedGen C1860707, MONDO:0013199, OMIM 613254.

gnomAD v4.1: 1 of 1,611,708 alleles (0.000062%); highest among the groups gnomAD compares: Non-Finnish European, 0.000085%; no homozygotes.

Submissions (3):

Color Diagnostics, LLC DBA Color Health
Classification: Likely benign for Tuberous sclerosis syndrome. Last evaluated: 2025-07-02. Review status: criteria provided, single submitter. Criteria: ACMG Guidelines, 2015. Collection method: clinical testing. Allele origin: germline.

Labcorp Genetics (formerly Invitae), Labcorp
Classification: Likely benign for Tuberous sclerosis 2. Last evaluated: 2025-06-02. Review status: criteria provided, single submitter. Criteria: Invitae Variant Classification Sherloc (09022015). Collection method: clinical testing. Allele origin: germline.

Myriad Genetics, Inc.
Classification: Likely benign for Tuberous sclerosis 2. Last evaluated: 2025-05-07. Review status: criteria provided, single submitter. Criteria: Myriad Autosomal Dominant, Autosomal Recessive and X-Linked Classification Criteria (2023). Collection method: clinical testing. Allele origin: unknown.
Comment: This variant is considered likely benign. This variant is intronic and is not expected to impact mRNA splicing.

NM_000548.5(TSC2):c.482-13G>C

Gene: TSC2 (TSC complex subunit 2; plus strand). Cytogenetic location: 16p13.3.
Variant type: single nucleotide variant.
Coding change: c.482-13G>C on transcript NM_000548.5 (MANE Select); 13 bases into the intron before coding-DNA position 482, G replaced by C.
Molecular consequence: intron variant.
Genome position (GRCh38, 1-based): chr16:2,055,389, G>C. VCF-style: chr16-2055389-G-C. GRCh37 (hg19) VCF-style: chr16-2105390-G-C.
Other names: c.482-13G>C (NM_001114382.3, NM_021055.3, NM_001370405.1 and 3 more transcripts); c.371-13G>C (NM_001318827.2); c.-1-807G>C (NM_001318831.2); c.335-13G>C (NM_001318829.2); c.515-13G>C (NM_001318832.2).
Identifiers: ClinVar variation 1659063 (VCV001659063.10), dbSNP rs1221885368, ClinGen allele CA2573151800.
Genomic context (GRCh38, chr16:2,055,389, plus strand): 5'-TGCGGCGGGAGGGGGAGGTGAGTGGGAGATGTAGATTCGGCGTCCTCGCAAACTGCCGCC[G>C]CTTCTCCCCCAGCTGACTTTGTCCTGCAGTGGATGGATGTTGGCTTGTCCTCGGAATTCC-3'